The following is an entry in ClinVar:

NM_000256.3(MYBPC3):c.322C>T (p.Pro108Ser)

Gene: MYBPC3 (myosin binding protein C3; minus strand). Cytogenetic location: 11p11.2.
Variant type: single nucleotide variant.
Coding change: c.322C>T on transcript NM_000256.3 (MANE Select); coding-DNA position 322, C replaced by T.
Protein change: p.Pro108Ser; replaces proline 108 with serine.
Molecular consequence: missense variant.
Genome position (GRCh38, 1-based): chr11:47,350,586, G>A on the plus strand (C>T on the coding strand, the complement: MYBPC3 is on the minus strand). VCF-style: chr11-47350586-G-A. GRCh37 (hg19) VCF-style: chr11-47372137-G-A.
Other names: c.322C>T, p.Pro108Ser (LRG_386t1); short protein forms P108S.
Identifiers: ClinVar variation 450220 (VCV000450220.10), dbSNP rs749233808, ClinGen allele CA053156.

ClinVar aggregate classification (germline): Uncertain significance. Review status: criteria provided, multiple submitters, no conflicts (2 of 4 stars). 4 submissions from 4 submitters: Uncertain significance (4). Last evaluated 2025-12-24.

Conditions:
Cardiomyopathy (CMYO). Also called: Cardiomyopathies. Identifiers: Orphanet 167848, MedGen C0878544, MONDO:0004994, HP:0001638. Inheritance: Various modes of inheritance.
Hypertrophic cardiomyopathy. Also called: HYPERTROPHIC MYOCARDIOPATHY. Identifiers: Orphanet 217569, MedGen C0007194, MeSH D002312, MONDO:0005045, HP:0001639.

Allele frequency attached by ClinVar (database versions not stated): ExAC below 0.00001; TOPMed below 0.00001; gnomAD 0.00001; gnomAD exomes 0.00002.

Submissions (4):

Labcorp Genetics (formerly Invitae), Labcorp
Classification: Uncertain significance for Hypertrophic cardiomyopathy. Last evaluated: 2025-12-24. Review status: criteria provided, single submitter. Criteria: Invitae Variant Classification Sherloc (09022015). Collection method: clinical testing. Allele origin: germline.
Comment: This sequence change replaces proline, which is neutral and non-polar, with serine, which is neutral and polar, at codon 108 of the MYBPC3 protein (p.Pro108Ser). This variant is not present in population databases (gnomAD no frequency). This missense change has been observed in individual(s) with MYBPC3-related conditions (PMID: 37652022). ClinVar contains an entry for this variant (Variation ID: 450220). An algorithm developed to predict the effect of missense changes on protein structure and function outputs the following: PolyPhen-2: "Benign". The serine amino acid residue is found in multiple mammalian species, which suggests that this missense change does not adversely affect protein function. In summary, the available evidence is currently insufficient to determine the role of this variant in disease. Therefore, it has been classified as a Variant of Uncertain Significance.

All of Us Research Program, National Institutes of Health
Classification: Uncertain significance for Hypertrophic cardiomyopathy. Last evaluated: 2024-07-29. Review status: criteria provided, single submitter. Criteria: ACMG Guidelines, 2015. Collection method: clinical testing. Allele origin: germline. Inheritance: Autosomal dominant inheritance. Observed: 4 variant alleles, 4 heterozygotes.
Comment: This missense variant replaces proline with serine at codon 108 of the MYBPC3 protein. Computational prediction suggests that this variant may not impact protein structure and function (internally defined REVEL score threshold <= 0.5, PMID: 27666373). To our knowledge, functional studies have not been reported for this variant. This variant has not been reported in individuals affected with cardiovascular disorders in the literature. This variant has not been identified in the general population by the Genome Aggregation Database (gnomAD). The available evidence is insufficient to determine the role of this variant in disease conclusively. Therefore, this variant is classified as a Variant of Uncertain Significance.

This study involves interpretation of variants in research participants for the purpose of population health screening. Participant phenotype was not available at the time of variant classification. Additional details can be found in publication PMID: 35346344, PMCID: PMC8962531

Color Diagnostics, LLC DBA Color Health
Classification: Uncertain significance for Cardiomyopathy. Last evaluated: 2024-03-06. Review status: criteria provided, single submitter. Criteria: ACMG Guidelines, 2015. Collection method: clinical testing. Allele origin: germline.
Comment: This missense variant replaces proline with serine at codon 108 of the MYBPC3 protein. Computational prediction suggests that this variant may not impact protein structure and function (internally defined REVEL score threshold <= 0.5, PMID: 27666373). To our knowledge, functional studies have not been reported for this variant. This variant has not been reported in individuals affected with cardiovascular disorders in the literature. This variant has not been identified in the general population by the Genome Aggregation Database (gnomAD). The available evidence is insufficient to determine the role of this variant in disease conclusively. Therefore, this variant is classified as a Variant of Uncertain Significance.

GeneDx
Classification: Uncertain significance. Last evaluated: 2017-07-07. Review status: criteria provided, single submitter. Criteria: GeneDx Variant Classification (06012015). Collection method: clinical testing. Allele origin: germline. Affected: yes.
Comment: A variant of uncertain significance has been identified in the MYBPC3 gene. The P108S variant has not been published as pathogenic or been reported as benign to our knowledge. This variant is also not observed in large population cohorts (Lek et al., 2016; 1000 Genomes Consortium et al., 2015; Exome Variant Server). The P108S variant is a non-conservative amino acid substitution, which is likely to impact secondary protein structure as these residues differ in polarity, charge, size and/or other properties. However, although this substitution occurs at a position that is largely conserved in mammals, serine (S) is the wild-type residue at this position in at least one mammalian species. Additionally, in silico analysis predicts this variant likely does not alter the protein structure/function.

Literature cited by the submitters: PubMed 37652022 (cited by Labcorp Genetics (formerly Invitae), Labcorp).